The following is an entry in ClinVar:

ClinVar aggregate classification (germline): Uncertain significance (1 of 4 stars; one submission).

Allele frequency attached by ClinVar (database versions not stated): TOPMed below 0.00001; gnomAD exomes 0.00001.
gnomAD v4.1: 3 of 1,613,712 alleles (0.00019%); highest among the groups gnomAD compares: South Asian, 0.0011%; no homozygotes.

Submission:

GeneDx
Classification: Uncertain significance. Last evaluated: 2022-11-18. Review status: criteria provided, single submitter. Criteria: GeneDx Variant Classification Process June 2021. Collection method: clinical testing. Allele origin: germline. Affected: yes.
Comment: Not observed at significant frequency in large population cohorts (gnomAD); In silico analysis supports that this missense variant does not alter protein structure/function; Has not been previously published as pathogenic or benign to our knowledge

NM_020745.4(AARS2):c.1486G>A (p.Val496Ile)

Gene: AARS2 (alanyl-tRNA synthetase 2, mitochondrial; minus strand). Cytogenetic location: 6p21.1.
Variant type: single nucleotide variant.
Coding change: c.1486G>A on transcript NM_020745.4 (MANE Select); coding-DNA position 1486, G replaced by A.
Protein change: p.Val496Ile; replaces valine 496 with isoleucine.
Molecular consequence: missense variant.
Genome position (GRCh38, 1-based): chr6:44,305,147, C>T on the plus strand (G>A on the coding strand, the complement: AARS2 is on the minus strand). VCF-style: chr6-44305147-C-T. GRCh37 (hg19) VCF-style: chr6-44272884-C-T.
Other names: short protein forms V496I.
Identifiers: ClinVar variation 1800798 (VCV001800798.1), dbSNP rs1302029500, ClinGen allele CA364338916.
Genomic context (GRCh38, chr6:44,305,147, plus strand): 5'-ACTTGGGGCTGTCGTCAGTTGGGGGCACTCCTTGGCGCTGCAGCTCCCCAAGCGCATGGA[C>T]ATCAAGCCACAATCCCTGCTTCTGAACTGGCTCAGCCTGCCGTGCCCGGTGCTGCAGGGT-3'
Protein context (NP_065796.2, residues 486-506): PVQKQGLWLD[Val496Ile]HALGELQRQG